The following is an entry in ClinVar:

ClinVar aggregate classification (germline): Uncertain significance. Review status: criteria provided, multiple submitters, no conflicts (2 of 4 stars). 2 submissions from 2 submitters: Uncertain significance (2). Last evaluated 2025-02-06.

Conditions:
Hereditary cancer-predisposing syndrome. Also called: Neoplastic Syndromes, Hereditary; Hereditary Cancer Syndrome; Hereditary neoplastic syndrome; Tumor predisposition. Identifiers: Orphanet 140162, MedGen C0027672, MeSH D009386, MONDO:0015356.

Allele frequency attached by ClinVar (database versions not stated): gnomAD exomes below 0.00001.
gnomAD v4.1: 1 of 1,613,976 alleles (0.000062%); highest among the groups gnomAD compares: African/African-American, 0.0013%; no homozygotes.

Submissions (2):

Ambry Genetics
Classification: Uncertain significance for Hereditary cancer-predisposing syndrome. Last evaluated: 2025-02-06. Review status: criteria provided, single submitter. Criteria: Ambry Variant Classification Scheme 2023. Collection method: clinical testing. Allele origin: germline.
Comment: The p.L1499F variant (also known as c.4495C>T), located in coding exon 35 of the POLE gene, results from a C to T substitution at nucleotide position 4495. The leucine at codon 1499 is replaced by phenylalanine, an amino acid with highly similar properties. This amino acid position is conserved. In addition, the in silico prediction for this alteration is inconclusive. Based on the available evidence, the clinical significance of this variant remains unclear.

Labcorp Genetics (formerly Invitae), Labcorp
Classification: Uncertain significance. Last evaluated: 2022-03-07. Review status: criteria provided, single submitter. Criteria: Invitae Variant Classification Sherloc (09022015). Collection method: clinical testing. Allele origin: germline.
Comment: This variant has not been reported in the literature in individuals affected with POLE-related conditions. ClinVar contains an entry for this variant (Variation ID: 540680). Algorithms developed to predict the effect of missense changes on protein structure and function (SIFT, PolyPhen-2, Align-GVGD) all suggest that this variant is likely to be tolerated. In summary, the available evidence is currently insufficient to determine the role of this variant in disease. Therefore, it has been classified as a Variant of Uncertain Significance. This sequence change replaces leucine, which is neutral and non-polar, with phenylalanine, which is neutral and non-polar, at codon 1499 of the POLE protein (p.Leu1499Phe). This variant is not present in population databases (gnomAD no frequency).

NM_006231.4(POLE):c.4495C>T (p.Leu1499Phe)

Gene: POLE (DNA polymerase epsilon, catalytic subunit; minus strand). Cytogenetic location: 12q24.33.
Variant type: single nucleotide variant.
Coding change: c.4495C>T on transcript NM_006231.4 (MANE Select); coding-DNA position 4495, C replaced by T.
Protein change: p.Leu1499Phe; replaces leucine 1499 with phenylalanine.
Molecular consequence: missense variant.
Genome position (GRCh38, 1-based): chr12:132,643,280, G>A on the plus strand (C>T on the coding strand, the complement: POLE is on the minus strand). VCF-style: chr12-132643280-G-A. GRCh37 (hg19) VCF-style: chr12-133219866-G-A.
Other names: short protein forms L1499F.
Identifiers: ClinVar variation 540680 (VCV000540680.12), dbSNP rs1555222907, ClinGen allele CA387380561.